The following is an entry in ClinVar:

NM_001010892.3(RSPH4A):c.341C>A (p.Thr114Lys)

Gene: RSPH4A (radial spoke head component 4A; plus strand). Cytogenetic location: 6q22.1.
Variant type: single nucleotide variant.
Coding change: c.341C>A on transcript NM_001010892.3 (MANE Select); coding-DNA position 341, C replaced by A.
Protein change: p.Thr114Lys; replaces threonine 114 with lysine.
Molecular consequence: missense variant.
Genome position (GRCh38, 1-based): chr6:116,616,964, C>A. VCF-style: chr6-116616964-C-A. GRCh37 (hg19) VCF-style: chr6-116938127-C-A.
Other names: c.341C>A, p.Thr114Lys (NM_001161664.2); short protein forms T114K.
Identifiers: ClinVar variation 695469 (VCV000695469.16), dbSNP rs562856574, ClinGen allele CA3970744.

ClinVar aggregate classification (germline): Conflicting classifications of pathogenicity. Review status: criteria provided, conflicting classifications (1 of 4 stars). 4 submissions from 4 submitters: Uncertain significance (1); Likely benign (2). 1 of the submissions does not count toward it. Last evaluated 2026-01-15.

Conditions:
RSPH4A-related disorder. Also called: RSPH4A-related condition.
Primary ciliary dyskinesia. Also called: Ciliary dyskinesia. Identifiers: Orphanet 244, MedGen C0008780, MONDO:0016575, HP:0012265.

Allele frequency attached by ClinVar (database versions not stated): 1000 Genomes Project 0.00020; gnomAD exomes 0.00035 and 0.00009; TOPMed 0.00083; gnomAD 0.00003; ExAC 0.00008; 1000 Genomes Project 30x 0.00016.
gnomAD v4.1: 280 of 1,614,224 alleles (0.017%); highest among the groups gnomAD compares: Admixed American, 0.45%; 6 homozygotes.

Submissions (4):

Labcorp Genetics (formerly Invitae), Labcorp
Classification: Likely benign for Primary ciliary dyskinesia. Last evaluated: 2026-01-15. Review status: criteria provided, single submitter. Criteria: Invitae Variant Classification Sherloc (09022015). Collection method: clinical testing. Allele origin: germline.

Blueprint Genetics
Classification: Uncertain significance. Last evaluated: 2023-04-29. Review status: criteria provided, single submitter. Criteria: ACMG Guidelines, 2015. Collection method: clinical testing. Allele origin: germline.

Ambry Genetics
Classification: Likely benign for Primary ciliary dyskinesia. Last evaluated: 2023-02-13. Review status: criteria provided, single submitter. Criteria: Ambry Variant Classification Scheme 2023. Collection method: clinical testing. Allele origin: germline.

PreventionGenetics, part of Exact Sciences
Classification: Likely benign for RSPH4A-related condition. Last evaluated: 2023-12-28. Review status: no assertion criteria provided. Collection method: clinical testing. Allele origin: germline. Not counted in ClinVar's aggregate classification.
Comment: This variant is classified as likely benign based on ACMG/AMP sequence variant interpretation guidelines (Richards et al. 2015 PMID: 25741868, with internal and published modifications).